The following is an entry in ClinVar:

ClinVar aggregate classification (germline): Likely benign (0 of 4 stars; one submission).

Conditions:
DNAH2-related disorder. Also called: DNAH2-related condition.

Allele frequency attached by ClinVar (database versions not stated): ExAC 0.00001; gnomAD 0.00001; TOPMed 0.00002; 1000 Genomes Project 30x 0.00016; 1000 Genomes Project 0.00020.
gnomAD v4.1: 21 of 1,614,210 alleles (0.0013%); highest among the groups gnomAD compares: Middle Eastern, 0.016%; no homozygotes.

Submission:

PreventionGenetics, part of Exact Sciences
Classification: Likely benign for DNAH2-related condition. Last evaluated: 2019-07-11. Review status: no assertion criteria provided. Collection method: clinical testing. Allele origin: germline.
Comment: This variant is classified as likely benign based on ACMG/AMP sequence variant interpretation guidelines (Richards et al. 2015 PMID: 25741868, with internal and published modifications).

NM_020877.5(DNAH2):c.7275C>T (p.Ile2425=)

Gene: DNAH2 (dynein axonemal heavy chain 2; plus strand). Cytogenetic location: 17p13.1.
Variant type: single nucleotide variant.
Coding change: c.7275C>T on transcript NM_020877.5 (MANE Select); coding-DNA position 7275, C replaced by T.
Protein change: p.Ile2425=; no amino-acid change (isoleucine 2425 retained).
Molecular consequence: synonymous variant.
Genome position (GRCh38, 1-based): chr17:7,792,786, C>T. VCF-style: chr17-7792786-C-T. GRCh37 (hg19) VCF-style: chr17-7696104-C-T.
Identifiers: ClinVar variation 3043243 (VCV003043243.2), dbSNP rs201346992, ClinGen allele CA8358023.
Genomic context (GRCh38, chr17:7,792,786, plus strand): 5'-GGTGGCCAACCAGAATCCCATTCTGCTGGTGGGTCCCGTGGGGACTGGGAAGACCTCCAT[C>T]GCCCAGAGCGTTCTGCAGTCCCTGCCCTCCAGCCAGTGGTCGGTGCTCGTTGTCAACATG-3'
Protein context (NP_065928.2, residues 2415-2435): VGPVGTGKTS[Ile2425=]AQSVLQSLPS